The following is an entry in ClinVar:

NM_002878.4(RAD51D):c.716G>T (p.Arg239Leu)

Genes: RAD51L3-RFFL (RAD51L3-RFFL readthrough; minus strand), RAD51D (RAD51 paralog D; minus strand). Cytogenetic location: 17q12.
Variant type: single nucleotide variant.
Coding change: c.716G>T on transcript NM_002878.4 (MANE Select); coding-DNA position 716, G replaced by T.
Protein change: p.Arg239Leu; replaces arginine 239 with leucine.
Molecular consequence: missense variant. On other transcripts: non-coding transcript variant (3).
Genome position (GRCh38, 1-based): chr17:35,103,276, C>A on the plus strand (G>T on the coding strand, the complement: RAD51D is on the minus strand). VCF-style: chr17-35103276-C-A. GRCh37 (hg19) VCF-style: chr17-33430295-C-A.
Other names: c.776G>T, p.Arg259Leu (NM_001142571.2); c.380G>T, p.Arg127Leu (NM_133629.3); short protein forms R127L, R239L, R259L.
Identifiers: ClinVar variation 953350 (VCV000953350.6), dbSNP rs780921112, ClinGen allele CA399087539.

ClinVar aggregate classification (germline): Uncertain significance (1 of 4 stars; one submission).

Conditions:
Breast-ovarian cancer, familial, susceptibility to, 4. Identifiers: Orphanet 145, MedGen C3280345, MONDO:0013669, OMIM 614291.

Submission:

Labcorp Genetics (formerly Invitae), Labcorp
Classification: Uncertain significance for Breast-ovarian cancer, familial, susceptibility to, 4. Last evaluated: 2019-11-11. Review status: criteria provided, single submitter. Criteria: Invitae Variant Classification Sherloc (09022015). Collection method: clinical testing. Allele origin: germline.
Comment: In summary, the available evidence is currently insufficient to determine the role of this variant in disease. Therefore, it has been classified as a Variant of Uncertain Significance. Algorithms developed to predict the effect of missense changes on protein structure and function (SIFT, PolyPhen-2, Align-GVGD) all suggest that this variant is likely to be tolerated, but these predictions have not been confirmed by published functional studies and their clinical significance is uncertain. This variant has not been reported in the literature in individuals with RAD51D-related conditions. This variant is not present in population databases (ExAC no frequency). This sequence change replaces arginine with leucine at codon 239 of the RAD51D protein (p.Arg239Leu). The arginine residue is weakly conserved and there is a moderate physicochemical difference between arginine and leucine.